The following is an entry in ClinVar:

NM_004655.4(AXIN2):c.220C>T (p.Pro74Ser)

Gene: AXIN2 (axin 2; minus strand). Cytogenetic location: 17q24.1.
Variant type: single nucleotide variant.
Coding change: c.220C>T on transcript NM_004655.4 (MANE Select); coding-DNA position 220, C replaced by T.
Protein change: p.Pro74Ser; replaces proline 74 with serine.
Molecular consequence: missense variant.
Genome position (GRCh38, 1-based): chr17:65,558,401, G>A on the plus strand (C>T on the coding strand, the complement: AXIN2 is on the minus strand). VCF-style: chr17-65558401-G-A. GRCh37 (hg19) VCF-style: chr17-63554519-G-A.
Other names: c.220C>T, p.Pro74Ser (NM_001363813.1); short protein forms P74S.
Identifiers: ClinVar variation 3671336 (VCV003671336.2).

ClinVar aggregate classification (germline): Uncertain significance. Review status: criteria provided, multiple submitters, no conflicts (2 of 4 stars). 2 submissions from 2 submitters: Uncertain significance (2). Last evaluated 2026-07-02.

Conditions:
Oligodontia-cancer predisposition syndrome. Also called: TOOTH AGENESIS-COLORECTAL CANCER SYNDROME. Identifiers: Orphanet 300576, MedGen C1837750, MONDO:0012075, OMIM 608615. Disease mechanism: loss of function.
Hereditary cancer-predisposing syndrome. Also called: Tumor predisposition; Hereditary neoplastic syndrome; Hereditary Cancer Syndrome; Neoplastic Syndromes, Hereditary. Identifiers: Orphanet 140162, MedGen C0027672, MeSH D009386, MONDO:0015356.

gnomAD v4.1: 1 of 1,605,622 alleles (0.000062%); highest among the groups gnomAD compares: Non-Finnish European, 0.000085%; no homozygotes.

Submissions (2):

Ambry Genetics
Classification: Uncertain significance for Hereditary cancer-predisposing syndrome. Last evaluated: 2026-07-02. Review status: criteria provided, single submitter. Criteria: Ambry Variant Classification Scheme 2023. Collection method: clinical testing. Allele origin: germline.
Comment: The p.P74S variant (also known as c.220C>T), located in coding exon 1 of the AXIN2 gene, results from a C to T substitution at nucleotide position 220. The proline at codon 74 is replaced by serine, an amino acid with similar properties. This amino acid position is conserved. In addition, this alteration is predicted to be tolerated by in silico analysis. Based on the available evidence, the clinical significance of this variant remains unclear.

Labcorp Genetics (formerly Invitae), Labcorp
Classification: Uncertain significance for Oligodontia-cancer predisposition syndrome. Last evaluated: 2024-04-09. Review status: criteria provided, single submitter. Criteria: Invitae Variant Classification Sherloc (09022015). Collection method: clinical testing. Allele origin: germline.
Comment: This sequence change replaces proline, which is neutral and non-polar, with serine, which is neutral and polar, at codon 74 of the AXIN2 protein (p.Pro74Ser). This variant is not present in population databases (gnomAD no frequency). This variant has not been reported in the literature in individuals affected with AXIN2-related conditions. Advanced modeling of protein sequence and biophysical properties (such as structural, functional, and spatial information, amino acid conservation, physicochemical variation, residue mobility, and thermodynamic stability) has been performed at Invitae for this missense variant, however the output from this modeling did not meet the statistical confidence thresholds required to predict the impact of this variant on AXIN2 protein function. In summary, the available evidence is currently insufficient to determine the role of this variant in disease. Therefore, it has been classified as a Variant of Uncertain Significance.